The following is an entry in ClinVar:

ClinVar aggregate classification (germline): Uncertain significance. Review status: criteria provided, multiple submitters, no conflicts (2 of 4 stars). 3 submissions from 3 submitters: Uncertain significance (3). Last evaluated 2026-08-06.

Conditions:
Geleophysic dysplasia 3. Identifiers: MedGen C4540511, MONDO:0054722, OMIM 617809.
Brachyolmia-amelogenesis imperfecta syndrome. Also called: PLATYSPONDYLY WITH AMELOGENESIS IMPERFECTA; Tooth agenesis, selective, 6; Dental anomalies and short stature. Identifiers: Orphanet 2899, MedGen C1832594, MONDO:0011018, OMIM 601216. Disease mechanism: loss of function.

gnomAD v4.1: 6 of 1,526,528 alleles (0.00039%); highest among the groups gnomAD compares: Admixed American, 0.004%; no homozygotes.

Submissions (3):

OLLIN Analises Genomicas, OLLIN
Classification: Uncertain significance for Geleophysic dysplasia 3. Last evaluated: 2026-08-06. Review status: criteria provided, single submitter. Criteria: ACMG Guidelines 2015 PMID 25741868. Collection method: clinical testing. Allele origin: germline.
Comment: This nonsense variant, located in exon 28 (of 28), has been reported in ClinVar (accession VCV001734790.2) and in gnomAD with an allele frequency of 0.00039%. However, to our knowledge, it has not been reported in the scientific literature. This variant introduces a premature stop codon, which is predicted to result in either a truncated protein or degradation of the mRNA via nonsense-mediated decay (NMD). According to the currently available evidence, this variant has been classified as uncertain significance (PVS1_M).

Labcorp Genetics (formerly Invitae), Labcorp
Classification: Uncertain significance for Brachyolmia-amelogenesis imperfecta syndrome. Last evaluated: 2025-12-08. Review status: criteria provided, single submitter. Criteria: Invitae Variant Classification Sherloc (09022015). Collection method: clinical testing. Allele origin: germline.
Comment: This sequence change creates a premature translational stop signal (p.Arg1259*) in the LTBP3 gene. While this is not anticipated to result in nonsense mediated decay, it is expected to disrupt the last 45 amino acid(s) of the LTBP3 protein. The frequency data for this variant in the population databases is considered unreliable, as metrics indicate poor data quality at this position in the gnomAD database. This variant has not been reported in the literature in individuals affected with LTBP3-related conditions. ClinVar contains an entry for this variant (Variation ID: 3637052). Experimental studies and prediction algorithms are not available or were not evaluated, and the functional significance of this variant is currently unknown. In summary, the available evidence is currently insufficient to determine the role of this variant in disease. Therefore, it has been classified as a Variant of Uncertain Significance.

Dasa
Classification: Uncertain significance. Last evaluated: 2025-11-11. Review status: criteria provided, single submitter. Criteria: DASA Assertion Criteria. Collection method: clinical testing. Allele origin: germline.
Comment: NM_001130144.3(LTBP3):c.3775C>T (p.Arg1259*) is a nonsense variant in LTBP3 predicted to introduce a premature termination codon and is predicted to result in an absent or altered protein product. This variant is rare in population databases. The currently available literature and clinical evidence are not sufficient to establish a definitive association between this variant and the reported condition. Therefore, this variant is classified as a variant of uncertain significance.

NM_001130144.3(LTBP3):c.3775C>T (p.Arg1259Ter)

Gene: LTBP3 (latent transforming growth factor beta binding protein 3; minus strand). Cytogenetic location: 11q13.1.
Variant type: single nucleotide variant.
Coding change: c.3775C>T on transcript NM_001130144.3 (MANE Select); coding-DNA position 3775, C replaced by T.
Protein change: p.Arg1259Ter; replaces arginine 1259 with a stop codon.
Molecular consequence: nonsense.
Genome position (GRCh38, 1-based): chr11:65,539,217, G>A on the plus strand (C>T on the coding strand, the complement: LTBP3 is on the minus strand). VCF-style: chr11-65539217-G-A. GRCh37 (hg19) VCF-style: chr11-65306688-G-A.
Other names: c.3283C>T, p.Arg1095Ter (NM_001164266.1); c.3634C>T, p.Arg1212Ter (NM_021070.4); short protein forms R1212*, R1095*, R1259*.
Identifiers: ClinVar variation 3637052 (VCV003637052.5).